The following is an entry in ClinVar:

ClinVar aggregate classification (germline): Benign/Likely benign. Review status: criteria provided, multiple submitters, no conflicts (2 of 4 stars). 4 submissions from 4 submitters: Benign (1); Likely benign (2). 1 of the submissions does not count toward it. Last evaluated 2026-06-01.

Conditions:
DNAH1-related disorder. Also called: DNAH1-related condition.
Spermatogenic failure 18. Identifiers: MedGen C4539783, MONDO:0054615, OMIM 617576.
Ciliary dyskinesia, primary, 37 (CILD37). Also called: CILIARY DYSKINESIA, PRIMARY, 37, WITH OR WITHOUT SITUS INVERSUS. Identifiers: MedGen C4539798, MONDO:0033204, OMIM 617577.

Allele frequency attached by ClinVar (database versions not stated): TOPMed 0.00052; ESP Exome Variant Server 0.00057; 1000 Genomes Project 0.00060; 1000 Genomes Project 30x 0.00062; gnomAD 0.00210 and 0.00218; gnomAD exomes 0.00239; ExAC 0.00258.
gnomAD v4.1: 1,833 of 1,570,576 alleles (0.12%); highest among the groups gnomAD compares: Non-Finnish European, 0.061%; 12 homozygotes.

Submissions (4):

CeGaT Center for Human Genetics Tuebingen
Classification: Likely benign. Last evaluated: 2026-06-01. Review status: criteria provided, single submitter. Criteria: CeGaT Center For Human Genetics Tuebingen Variant Classification Criteria Version 2. Collection method: clinical testing. Allele origin: germline. Affected: yes. Observed: 5 variant alleles.
Comment: DNAH1: BP4, BP7

Labcorp Genetics (formerly Invitae), Labcorp
Classification: Benign for Ciliary dyskinesia, primary, 37; Spermatogenic failure 18. Last evaluated: 2026-02-04. Review status: criteria provided, single submitter. Criteria: Invitae Variant Classification Sherloc (09022015). Collection method: clinical testing. Allele origin: germline.

Blueprint Genetics
Classification: Likely benign. Last evaluated: 2024-11-22. Review status: criteria provided, single submitter. Criteria: ACMG Guidelines, 2015. Collection method: clinical testing. Allele origin: germline.

PreventionGenetics, part of Exact Sciences
Classification: Benign for DNAH1-related condition. Last evaluated: 2019-08-28. Review status: no assertion criteria provided. Collection method: clinical testing. Allele origin: germline. Not counted in ClinVar's aggregate classification.
Comment: This variant is classified as benign based on ACMG/AMP sequence variant interpretation guidelines (Richards et al. 2015 PMID: 25741868, with internal and published modifications).

NM_015512.5(DNAH1):c.4365C>T (p.Ala1455=)

Gene: DNAH1 (dynein axonemal heavy chain 1; plus strand). Cytogenetic location: 3p21.1.
Variant type: single nucleotide variant.
Coding change: c.4365C>T on transcript NM_015512.5 (MANE Select); coding-DNA position 4365, C replaced by T.
Protein change: p.Ala1455=; no amino-acid change (alanine 1455 retained).
Molecular consequence: synonymous variant.
Genome position (GRCh38, 1-based): chr3:52,359,344, C>T. VCF-style: chr3-52359344-C-T. GRCh37 (hg19) VCF-style: chr3-52393360-C-T.
Identifiers: ClinVar variation 707656 (VCV000707656.36), dbSNP rs185313035, ClinGen allele CA2433879.
Genomic context (GRCh38, chr3:52,359,344, plus strand): 5'-GGTGACCATCGCTGGGTGCCAGACCTACTGGACCATGGAGGTGGCAGAGGCTCTGGAGGC[C>T]GGCAACCTCAGAAGCCAACTGTTCCCCCAGCTCTGCCAGCAGGTTGGAGTCAAGAGGACC-3'
Protein context (NP_056327.4, residues 1445-1465): WTMEVAEALE[Ala1455=]GNLRSQLFPQ